The following is an entry in ClinVar:

ClinVar aggregate classification (germline): Pathogenic (1 of 4 stars; one submission).

Conditions:
Usher syndrome type 1 (USH1). Also called: RETINITIS PIGMENTOSA AND CONGENITAL DEAFNESS. Identifiers: Orphanet 231169, Orphanet 886, MedGen C1568247, MONDO:0010168, OMIM 276900.

Submission:

Myriad Genetics, Inc.
Classification: Pathogenic for Usher syndrome type 1. Last evaluated: 2024-09-26. Review status: criteria provided, single submitter. Criteria: Myriad Autosomal Dominant, Autosomal Recessive and X-Linked Classification Criteria (2023). Collection method: clinical testing. Allele origin: unknown.
Comment: NM_000260.3(MYO7A):c.1448_1451delACTG(D483Gfs*15) is expected to be pathogenic in the context of MYO7A-related disorders. This variant is predicted to lead to an abnormal or absent protein product due to the creation of a premature termination codon in MYO7A, a gene where loss-of-function variants are known to be pathogenic. Please note: this variant was assessed in the context of healthy population screening.

NM_000260.4(MYO7A):c.1448_1451del (p.Asp483fs)

Gene: MYO7A (myosin VIIA; plus strand). Cytogenetic location: 11q13.5.
Variant type: Deletion.
Coding change: c.1448_1451del on transcript NM_000260.4 (MANE Select); coding-DNA positions 1448 to 1451, 4 bases deleted (ACTG; older notation c.1448_1451delACTG).
Protein change: p.Asp483fs; shifts the reading frame from aspartic acid 483.
Molecular consequence: frameshift variant.
Genome position (GRCh38, 1-based): chr11:77,162,224-77,162,227, ACTG deleted; deleting any 4 consecutive bases within chr11:77,162,222-77,162,227 gives the same sequence; the c. name uses the placement nearest the transcript's 3' end. VCF-style (leftmost placement, unchanged base first): chr11-77162221-TTGAC-T. GRCh37 (hg19) VCF-style: chr11-76873267-TTGAC-T.
Other names: c.1448_1451del, p.Asp483fs (NM_001127180.2); c.1415_1418del, p.Asp472fs (NM_001369365.1); short protein forms D472fs, D483fs.
Identifiers: ClinVar variation 5010586 (VCV005010586.1).